The following is an entry in ClinVar:

ClinVar aggregate classification (germline): Uncertain significance. Review status: criteria provided, multiple submitters, no conflicts (2 of 4 stars). 2 submissions from 2 submitters: Uncertain significance (2). Last evaluated 2026-05-26.

Conditions:
Aneurysm-osteoarthritis syndrome. Also called: SMAD3-Related Loeys-Dietz Syndrome; LOEYS-DIETZ SYNDROME WITH OSTEOARTHRITIS; Loeys-Dietz syndrome, type 1C; ANEURYSMS-OSTEOARTHRITIS SYNDROME. Identifiers: Orphanet 284984, MedGen C3151087, MONDO:0013426, OMIM 613795.

Allele frequency attached by ClinVar (database versions not stated): gnomAD exomes below 0.00001; TOPMed below 0.00001.
gnomAD v4.1: 7 of 1,614,164 alleles (0.00043%); highest among the groups gnomAD compares: Non-Finnish European, 0.00059%; no homozygotes.

Submissions (2):

GeneDx
Classification: Uncertain significance. Last evaluated: 2026-05-26. Review status: criteria provided, single submitter. Criteria: GeneDx Variant Classification Process June 2021. Collection method: clinical testing. Allele origin: germline.
Comment: Not observed at significant frequency in large population cohorts (gnomAD); In silico analysis supports that this missense variant has a deleterious effect on protein structure/function; Has not been previously published as pathogenic or benign to our knowledge

All of Us Research Program, National Institutes of Health
Classification: Uncertain significance for Aneurysm-osteoarthritis syndrome. Last evaluated: 2024-02-05. Review status: criteria provided, single submitter. Criteria: ACMG Guidelines, 2015. Collection method: clinical testing. Allele origin: germline. Inheritance: Autosomal dominant inheritance. Observed: 1 variant allele, 1 heterozygote.
Comment: This missense variant replaces arginine with glutamine at codon 368 of the SMAD3 protein. Computational prediction tools indicate that this variant has a deleterious impact on protein structure and function. To our knowledge, functional studies have not been reported for this variant. This variant has not been reported in individuals affected with SMAD3-related disorders in the literature. This variant has not been identified in the general population by the Genome Aggregation Database (gnomAD). The available evidence is insufficient to determine the role of this variant in disease conclusively. Therefore, this variant is classified as a Variant of Uncertain Significance.

This study involves interpretation of variants in research participants for the purpose of population health screening. Participant phenotype was not available at the time of variant classification. Additional details can be found in publication PMID: 35346344, PMCID: PMC8962531

NM_005902.4(SMAD3):c.1103G>A (p.Arg368Gln)

Gene: SMAD3 (SMAD family member 3; plus strand). Cytogenetic location: 15q22.33.
Variant type: single nucleotide variant.
Coding change: c.1103G>A on transcript NM_005902.4 (MANE Select); coding-DNA position 1103, G replaced by A.
Protein change: p.Arg368Gln; replaces arginine 368 with glutamine.
Molecular consequence: missense variant.
Genome position (GRCh38, 1-based): chr15:67,187,458, G>A. VCF-style: chr15-67187458-G-A. GRCh37 (hg19) VCF-style: chr15-67479796-G-A.
Other names: c.788G>A, p.Arg263Gln (NM_001145102.2, NM_001407016.1); c.971G>A, p.Arg324Gln (NM_001145103.2, NM_001407012.1); c.518G>A, p.Arg173Gln (NM_001145104.2, NM_001407017.1); c.1214G>A, p.Arg405Gln (NM_001407011.1); c.965G>A, p.Arg322Gln (NM_001407013.1); c.956G>A, p.Arg319Gln (NM_001407014.1); c.656G>A, p.Arg219Gln (NM_001407015.1); short protein forms R173Q, R219Q, R263Q, R319Q, R322Q, R324Q, R368Q, R405Q.
Identifiers: ClinVar variation 2504701 (VCV002504701.3), dbSNP rs1963251002, ClinGen allele CA392958254.